The following is an entry in ClinVar:

NM_022047.4(DEF6):c.1242G>A (p.Met414Ile)

Gene: DEF6 (DEF6 guanine nucleotide exchange factor; plus strand). Cytogenetic location: 6p21.31.
Variant type: single nucleotide variant.
Coding change: c.1242G>A on transcript NM_022047.4 (MANE Select); coding-DNA position 1242, G replaced by A.
Protein change: p.Met414Ile; replaces methionine 414 with isoleucine.
Molecular consequence: missense variant.
Genome position (GRCh38, 1-based): chr6:35,319,550, G>A. VCF-style: chr6-35319550-G-A. GRCh37 (hg19) VCF-style: chr6-35287327-G-A.
Other names: short protein forms M414I.
Identifiers: ClinVar variation 2089071 (VCV002089071.1), dbSNP rs769479580, ClinGen allele CA3770903.

ClinVar aggregate classification (germline): Uncertain significance (1 of 4 stars; one submission).

Allele frequency attached by ClinVar (database versions not stated): gnomAD exomes 0.00001; ExAC 0.00002.
gnomAD v4.1: 4 of 1,613,390 alleles (0.00025%); highest among the groups gnomAD compares: East Asian, 0.0022%; no homozygotes.

Submission:

Labcorp Genetics (formerly Invitae), Labcorp
Classification: Uncertain significance. Last evaluated: 2022-02-02. Review status: criteria provided, single submitter. Criteria: Invitae Variant Classification Sherloc (09022015). Collection method: clinical testing. Allele origin: germline.
Comment: This sequence change replaces methionine, which is neutral and non-polar, with isoleucine, which is neutral and non-polar, at codon 414 of the DEF6 protein (p.Met414Ile). This variant is present in population databases (rs769479580, gnomAD 0.006%). This variant has not been reported in the literature in individuals affected with DEF6-related conditions. Algorithms developed to predict the effect of missense changes on protein structure and function are either unavailable or do not agree on the potential impact of this missense change (SIFT: "Deleterious"; PolyPhen-2: "Benign"; Align-GVGD: "Class C0"). In summary, the available evidence is currently insufficient to determine the role of this variant in disease. Therefore, it has been classified as a Variant of Uncertain Significance.